The following is an entry in ClinVar:

NM_006506.5(RASA2):c.571T>A (p.Cys191Ser)

Gene: RASA2 (RAS p21 protein activator 2; plus strand). Cytogenetic location: 3q23.
Variant type: single nucleotide variant.
Coding change: c.571T>A on transcript NM_006506.5 (MANE Select); coding-DNA position 571, T replaced by A.
Protein change: p.Cys191Ser; replaces cysteine 191 with serine.
Molecular consequence: missense variant.
Genome position (GRCh38, 1-based): chr3:141,553,900, T>A. VCF-style: chr3-141553900-T-A. GRCh37 (hg19) VCF-style: chr3-141272742-T-A.
Other names: c.571T>A, p.Cys191Ser (NM_001303245.3, NM_001303246.3); short protein forms C191S.
Identifiers: ClinVar variation 3943012 (VCV003943012.1).
Genomic context (GRCh38, chr3:141,553,900, plus strand): 5'-CTTTTATTCTACCTTAGCATCAAGGCATGCCATGGGTTGCCTCTCATAAATGGCCAAAGC[T>A]GTGACCCTTATGCAACAGTTTCTCTAGTGGGCCCTTCTAGGTAATATTTATTGAATTATT-3'
Protein context (NP_006497.2, residues 181-201): HGLPLINGQS[Cys191Ser]DPYATVSLVG

ClinVar aggregate classification (germline): Uncertain significance (1 of 4 stars; one submission).

Submission:

Ambry Genetics
Classification: Uncertain significance. Last evaluated: 2025-06-09. Review status: criteria provided, single submitter. Criteria: Ambry Variant Classification Scheme 2023. Collection method: clinical testing. Allele origin: germline.
Comment: The p.C191S variant (also known as c.571T>A), located in coding exon 6 of the RASA2 gene, results from a T to A substitution at nucleotide position 571. The cysteine at codon 191 is replaced by serine, an amino acid with dissimilar properties. This amino acid position is conserved. In addition, the in silico prediction for this alteration is inconclusive. Based on the available evidence, the clinical significance of this variant remains unclear.